The following is an entry in ClinVar:

ClinVar aggregate classification (germline): Likely benign (1 of 4 stars; one submission).

Conditions:
Familial adenomatous polyposis 1 (FAP1). Also called: POLYPOSIS, ADENOMATOUS INTESTINAL; FAMILIAL ADENOMATOUS POLYPOSIS 1, ATTENUATED. Identifiers: MedGen C2713442, MONDO:0021056, OMIM 175100. Disease mechanism: loss of function.

Submission:

Myriad Genetics, Inc.
Classification: Likely benign for Familial adenomatous polyposis 1. Last evaluated: 2024-02-23. Review status: criteria provided, single submitter. Criteria: Myriad Autosomal Dominant, Autosomal Recessive and X-Linked Classification Criteria (2023). Collection method: clinical testing. Allele origin: unknown.
Comment: This variant is considered likely benign. This variant is intronic and is not expected to impact mRNA splicing.

NM_000038.6(APC):c.422+9T>C

Gene: APC (APC regulator of Wnt signaling pathway; plus strand). Cytogenetic location: 5q22.2.
Variant type: single nucleotide variant.
Coding change: c.422+9T>C on transcript NM_000038.6 (MANE Select); 9 bases into the intron after coding-DNA position 422, T replaced by C.
Molecular consequence: intron variant.
Genome position (GRCh38, 1-based): chr5:112,767,399, T>C. VCF-style: chr5-112767399-T-C. GRCh37 (hg19) VCF-style: chr5-112103096-T-C.
Other names: c.-614+9T>C (NM_001407470.1, NM_001407472.1, NM_001354906.2 and 1 more transcripts); c.422+9T>C (NM_001407447.1, NM_001354895.2, NM_001407456.1 and 16 more transcripts); c.452+9T>C (NM_001407446.1, NM_001354897.2, NM_001354902.2 and 1 more transcripts); c.245+9T>C (NM_001407453.1, NM_001354900.2, NM_001354901.2 and 1 more transcripts); c.347+9T>C (NM_001407451.1, NM_001354898.2, NM_001354904.2).
Identifiers: ClinVar variation 3148165 (VCV003148165.1), dbSNP rs2532303698, ClinGen allele CA2578379587.